The following continues an entry in ClinVar:

NM_000059.4(BRCA2):c.8524C>T (p.Arg2842Cys)

Gene: BRCA2. ClinVar aggregate classification (germline): Conflicting classifications of pathogenicity. Pathogenic (1); Likely pathogenic (8); Likely pathogenic, low penetrance (1); Uncertain significance (9).

Submissions 13 to 21 of 21:

All of Us Research Program, National Institutes of Health
Classification: Uncertain significance for Breast-ovarian cancer, familial, susceptibility to, 2. Last evaluated: 2023-12-18. Review status: criteria provided, single submitter. Criteria: ACMG Guidelines, 2015. Collection method: clinical testing. Allele origin: germline. Inheritance: Autosomal dominant inheritance. Observed: 4 variant alleles, 4 heterozygotes.
Comment: This missense variant replaces arginine with cysteine at codon 2842 of the BRCA2 protein. Computational prediction suggests that this variant may have deleterious impact on protein structure and function (internally defined REVEL score threshold >= 0.7, PMID: 27666373). Splice site prediction tools and RNA studies suggest that this variant may not impact RNA splicing (PMID: 24123850). Experimental functional studies have demonstrated partial or intermediate effects on homology directed repair (HDR; PMID: 23108138, 24323938, 29884841, 29394989, 29988080, 32354836, 32482800) and intermediate sensitivity to mitomicin C (MMC) or PARP inhibitors (PMID: 32354836), but normal sensitivity to cisplatin and normal complementation of a BRCA2-null cell lethal phenotype (PMID: 29988080). It has also been shown to be defective in replication fork protection of stalled replication forks during interstrand crosslink (ICL) repair, but without an increase in chromosomal breakage (PMID: 32354836). This variant has been reported in compound heterozygous state in 2 siblings diagnosed with atypical Fanconi anemia, and in compound heterozygous state in 1 unrelated individual diagnosed with Fanconi anemia; all 3 individuals with no evidence of bone marrow failure or malignancy at time of reporting despite family history of cancer (PMID: 32354836, ClinVar: SCV000897864.1). The variant was also reported in homozygous state in an individual with primary ovarian insufficiency without any personal or family history of BRCA2-associated cancer (PMID: 32482800). Cells homozygous for this variant showed intermediate defects compared with cells from non-carriers and cells from individuals with Fanconi anemia, in terms of MMC-induced chromosomal breaks, cell proliferation rate and radiation-induced RAD51 foci formation (PMID: 32482800). This variant has been detected in two breast cancer case-control studies in 0/2575 cases and 1/2809 unaffected individuals (PMID: 28993434) and in 3/60466 cases and 2/53461 unaffected individuals (PMID: 33471991; Leiden Open Variation Database DB-ID BRCA2_000340). This variant has also been reported in an individual considered at-risk for hereditary breast cancer (PMID: 31851867) and in two individuals affected with BRCA2-associated cancers and/or relevant family history (Color internal data). Lastly, it was also found to co-occur with a BRCA1 pathogenic variant in an individual in the BIC database (PMID: 10923033). This variant has been identified in 3/282388 chromosomes in the general population by the Genome Aggregation Database (gnomAD). Although there is evidence of a hypomorphic role for this variant in an autosomal recessive, atypical Fanconi Anemia phenotype, the available evidence is insufficient to conclusively determine the role in autosomal dominant hereditary cancer. Therefore, this variant is classified as a Variant of Uncertain Significance.

This study involves interpretation of variants in research participants for the purpose of population health screening. Participant phenotype was not available at the time of variant classification. Additional details can be found in publication PMID: 35346344, PMCID: PMC8962531

ARUP Laboratories, Molecular Genetics and Genomics, ARUP Laboratories
Classification: Uncertain significance. Last evaluated: 2023-11-13. Review status: criteria provided, single submitter. Criteria: ARUP Molecular Germline Variant Investigation Process 2024. Collection method: clinical testing. Allele origin: germline.
Comment: The BRCA2 c.8524C>T; p.Arg2842Cys variant (rs80359104) is reported in the literature in individuals affected with breast cancer (Bhai 2021, Gao 2020, Guindalini 2022), but also in healthy controls (Wen 2018). Additionally, this variant is reported in the homozygous state in an individual with no cancer or Fanconi anemia traits (Caburet 2020), and in the compound heterozygous state in two siblings with atypical Fanconi anemia (Rickman 2020). This variant is reported in ClinVar (Variation ID: 52610), and is found in the general population with an overall allele frequency of 0.0011% (3/282388 alleles) in the Genome Aggregation Database. Computational analyses predict that this variant is deleterious (REVEL: 0.843). Functional analyses of the variant protein show intermediate homology-directed repair activity (Caburet 2020, Guidugli 2018, Mesman 2019, Rickman 2020). Due to conflicting information, the clinical significance of this variant is uncertain at this time. References: Bhai P et al. Analysis of Sequence and Copy Number Variants in Canadian Patient Cohort With Familial Cancer Syndromes Using a Unique Next Generation Sequencing Based Approach. Front Genet. 2021 Jul 13;12:698595. PMID: 34326862. Caburet S et al. Homozygous hypomorphic BRCA2 variant in primary ovarian insufficiency without cancer or Fanconi anaemia trait. J Med Genet. 2020 Jun 1:jmedgenet-2019-106672. PMID: 32482800. Gao X et al. Comprehensive profiling of BRCA1 and BRCA2 variants in breast and ovarian cancer in Chinese patients. Hum Mutat. 2020 Mar;41(3):696-708. PMID: 31825140. Guidugli L et al. Assessment of the Clinical Relevance of BRCA2 Missense Variants by Functional and Computational Approaches. Am J Hum Genet. 2018 Feb 1;102(2):233-248. PMID: 29394989. Guindalini RSC et al. Detection of germline variants in Brazilian breast cancer patients using multigene panel testing. Sci Rep. 2022 Mar 9;12(1):4190. PMID: 35264596. Mesman RLS et al. The functional impact of variants of uncertain significance in BRCA2. Genet Med. 2019 Feb;21(2):293-302. PMID: 29988080. Rickman KA et al. Distinct roles of BRCA2 in replication fork protection in response to hydroxyurea and DNA interstrand cross-links. Genes Dev. 2020 Jun 1;34(11-12):832-846. PMID: 32354836. Wen WX et al. Inherited mutations in BRCA1 and BRCA2 in an unselected multiethnic cohort of Asian patients with breast cancer and healthy controls from Malaysia. J Med Genet. 2018 Feb;55(2):97-103. PMID: 28993434.

Baylor Genetics
Classification: Uncertain significance for Familial cancer of breast. Last evaluated: 2023-10-26. Review status: criteria provided, single submitter. Criteria: ACMG Guidelines, 2015. Collection method: clinical testing. Allele origin: unknown.

MGZ Medical Genetics Center
Classification: Likely pathogenic for Breast-ovarian cancer, familial, susceptibility to, 2. Last evaluated: 2023-03-22. Review status: criteria provided, single submitter. Criteria: ACMG Guidelines, 2015. Collection method: clinical testing. Allele origin: germline. Affected: yes. Observed: 2 variant alleles.
Comment: ACMG criteria applied: PS3_MOD, PM3, PP3_MOD, PM2_SUP, PP4, BP5

Cancer Variant Interpretation Group UK, Institute of Cancer Research, London
Classification: Pathogenic for Hereditary Breast and Ovarian Cancer. Last evaluated: 2018-10-31. Review status: criteria provided, single submitter. Criteria: ACMG Guidelines, 2015. Collection method: clinical testing. Allele origin: germline. Affected: yes. Observed: 1 variant allele.
Comment: Reduced level of BRCA2 protein on Western blot giving gene-phenotype specificity (PP4). The variant is deleterious on the HR assay described by Guidugli et al (Couch laboratory), p=0.99 in 2013 and p=0.987 (2018) (PS3). Delirious on AlignGVGD, SIFT, Polyphen (PP3). Located in DNA binding domain (PM1_sup). In the GNOMAD NFE population of 63,369 individuals, the frequency of this variant is 1 (PM2-sup). Additional Information (not included in classification): There are additional reports of this variant in [ClinVar (5) , BIC (1), UMD (5) and BRCA2 LOVD (1)]. Reported several times in ENIGMA in HBOC families (verbal report).

Department of Pathology and Molecular Medicine, Queen's University
Classification: Uncertain significance. Last evaluated: 2017-04-20. Review status: criteria provided, single submitter. Criteria: ACMG Guidelines, 2015. Collection method: clinical testing. Allele origin: germline. Study: The Canadian Open Genetics Repository (COGR).

Laboratory of Medical Genetics Unit, Bambino Gesù Children's Hospital
Classification: Likely pathogenic for BRCA2-related cancer predisposition. Review status: criteria provided, single submitter. Criteria: ACMG Guidelines, 2015. Collection method: clinical testing. Allele origin: paternal. Inheritance: Autosomal dominant inheritance. Affected: yes. Observed: 1 heterozygote.
Comment: The c.8524C>T variant (p.Arg2842Cys) is located in coding exon 19 of the BRCA2 gene. Computational prediction suggests that this variant may have deleterious impact on protein structure and function. The arginine 2842 is replaced by cysteine, an amino acid with highly dissimilar properties. This variant has been found in two breast cancer case-control studies in 0/2575 cases and 1/2809 unaffected individuals (PMID: 28993434) and in 3/60466 cases and 2/53461 unaffected individuals (PMID: 33471991). This variant has been detected in two independent sets of siblings with Fanconi anemia confirmed in trans with two different truncating BRCA2 variants. Functional studies have demonstrated partial or intermediate effects on homology directed repair (PMID: 23108138, 24323938) and intermediate sensitivity to mitomicin C (MMC) or PARP inhibitors (PMID: 32354836), but normal sensitivity to cisplatin and normal complementation of a BRCA2-null cell lethal phenotype (PMID: 29988080).

Breast Cancer Information Core (BIC) (BRCA2)
Classification: Uncertain significance for Breast-ovarian cancer, familial 2. Last evaluated: 2003-12-23. Review status: no assertion criteria provided. Collection method: clinical testing. Allele origin: germline. Affected: yes. Observed: 1 variant allele. Not counted in ClinVar's aggregate classification.

Sharing Clinical Reports Project (SCRP)
Classification: Likely benign for Breast-ovarian cancer, familial 2. Last evaluated: 2011-02-09. Review status: flagged submission. Collection method: clinical testing. Allele origin: germline. Not counted in ClinVar's aggregate classification.
ClinVar note: Reason: Outlier claim with insufficient supporting evidence

Literature cited by the submitters: PubMed 32354836 (cited by 6 submitters); PubMed 32482800 (cited by 6 submitters); PubMed 23108138 (cited by 4 submitters); PubMed 29988080 (cited by 6 submitters); PubMed 31825140 (cited by Ambry Genetics and Quest Diagnostics Nichols Institute San Juan Capistrano); PubMed 33471991 (cited by 4 submitters); PubMed 28993434 (cited by 4 submitters); PubMed 31851867 (cited by Color Diagnostics, LLC DBA Color Health and All of Us Research Program, National Institutes of Health); PubMed 31853058 (cited by Color Diagnostics, LLC DBA Color Health); PubMed 40531958 (cited by Color Diagnostics, LLC DBA Color Health); PubMed 29394989 (cited by 3 submitters); PubMed 28664449 (cited by Quest Diagnostics Nichols Institute San Juan Capistrano); PubMed 35585550 (cited by Quest Diagnostics Nichols Institute San Juan Capistrano); PubMed 37430352 (cited by Quest Diagnostics Nichols Institute San Juan Capistrano); PubMed 39271738 (cited by Quest Diagnostics Nichols Institute San Juan Capistrano and Women's Health and Genetics/Laboratory Corporation of America, LabCorp); PubMed 38811720 (cited by Quest Diagnostics Nichols Institute San Juan Capistrano); PubMed 19043619 (cited by Quest Diagnostics Nichols Institute San Juan Capistrano and Women's Health and Genetics/Laboratory Corporation of America, LabCorp); PubMed 24123850 (cited by 3 submitters); PubMed 24323938 (cited by 3 submitters); PubMed 11948123 (cited by Quest Diagnostics Nichols Institute San Juan Capistrano); PubMed 27194814 (cited by Quest Diagnostics Nichols Institute San Juan Capistrano); PubMed 27176796 (cited by Quest Diagnostics Nichols Institute San Juan Capistrano); PubMed 29884841 (cited by 3 submitters); PubMed 30455982 (cited by Quest Diagnostics Nichols Institute San Juan Capistrano and Women's Health and Genetics/Laboratory Corporation of America, LabCorp); PubMed 35264596 (cited by Women's Health and Genetics/Laboratory Corporation of America, LabCorp); PubMed 33977503 (cited by Women's Health and Genetics/Laboratory Corporation of America, LabCorp); PubMed 10923033 (cited by All of Us Research Program, National Institutes of Health).